The following is an entry in ClinVar:

ClinVar aggregate classification (germline): Conflicting classifications of pathogenicity. Review status: criteria provided, conflicting classifications (1 of 4 stars). 4 submissions from 4 submitters: Pathogenic (1); Likely pathogenic (1); Uncertain significance (2). Last evaluated 2025-09-24.

Conditions:
Ichthyosis vulgaris. Also called: ICHTHYOSIS SIMPLEX; Dominant ichthyosis vulgaris. Identifiers: MedGen C0079584, MONDO:0024304, OMIM 146700.
Dermatitis, atopic, 2. Identifiers: MedGen C1853965, MONDO:0011596, OMIM 605803.

Allele frequency attached by ClinVar (database versions not stated): gnomAD 0.00004.

Submissions (4):

GeneDx
Classification: Pathogenic. Last evaluated: 2025-09-24. Review status: criteria provided, single submitter. Criteria: GeneDx Variant Classification Process June 2021. Collection method: clinical testing. Allele origin: germline. Affected: yes.
Comment: Nonsense variant in the C-terminus predicted to result in protein truncation, as the last 1377 amino acids are lost, and other loss-of-function variants have been reported downstream in the Human Gene Mutation Database (HGMD); Has not been previously published as pathogenic or benign to our knowledge

CeGaT Center for Human Genetics Tuebingen
Classification: Uncertain significance. Last evaluated: 2024-09-01. Review status: criteria provided, single submitter. Criteria: CeGaT Center For Human Genetics Tuebingen Variant Classification Criteria Version 2. Collection method: clinical testing. Allele origin: germline. Affected: yes. Observed: 1 variant allele.
Comment: FLG: PVS1:Strong, PM2:Supporting

Genetics and Genomic Medicine Centre, NeuroGen Healthcare, NeuroGen Healthcare
Classification: Likely pathogenic for Ichthyosis vulgaris. Last evaluated: 2021-03-06. Review status: criteria provided, single submitter. Criteria: Submitter's publication. Collection method: clinical testing. Allele origin: unknown. Affected: no.

Juno Genomics, Hangzhou Juno Genomics, Inc
Classification: Uncertain significance for Dermatitis, atopic, 2; Ichthyosis vulgaris. Review status: criteria provided, single submitter. Criteria: ACMG Guidelines, 2015. Collection method: clinical testing. Allele origin: germline.
Comment: Absent from controls (or at extremely low frequency if recessive) in Genome Aggregation Database.;Null variant in a gene where loss of function (LOF) is a known mechanism of disease.

NM_002016.2(FLG):c.8053C>T (p.Arg2685Ter)

Genes: CCDST (cervical cancer associated DHX9 suppressive transcript; plus strand), FLG (filaggrin; minus strand). Cytogenetic location: 1q21.3.
Variant type: single nucleotide variant.
Coding change: c.8053C>T on transcript NM_002016.2 (MANE Select); coding-DNA position 8053, C replaced by T.
Protein change: p.Arg2685Ter; replaces arginine 2685 with a stop codon.
Molecular consequence: nonsense.
Genome position (GRCh38, 1-based): chr1:152,306,833, G>A on the plus strand (C>T on the coding strand, the complement: FLG is on the minus strand). VCF-style: chr1-152306833-G-A. GRCh37 (hg19) VCF-style: chr1-152279309-G-A.
Other names: short protein forms R2685*.
Identifiers: ClinVar variation 817521 (VCV000817521.23), dbSNP rs754727774, ClinGen allele CA1104446.